The following is an entry in ClinVar:

NM_012330.4(KAT6B):c.3664+1G>A

Gene: KAT6B (lysine acetyltransferase 6B; plus strand). Cytogenetic location: 10q22.2.
Variant type: single nucleotide variant.
Coding change: c.3664+1G>A on transcript NM_012330.4 (MANE Select); the canonical splice donor site of the intron after coding-DNA position 3664, G replaced by A.
Molecular consequence: splice donor variant.
Genome position (GRCh38, 1-based): chr10:75,025,250, G>A. VCF-style: chr10-75025250-G-A. GRCh37 (hg19) VCF-style: chr10-76785008-G-A.
Other names: c.2788+1G>A (NM_001370139.1, NM_001370140.1, NM_001370141.1 and 2 more transcripts); c.3664+1G>A (NM_001370136.1, NM_001370137.1); c.3115+1G>A (NM_001370138.1, NM_001256468.2); c.1975+1G>A (NM_001370133.1); c.1579+1G>A (NM_001370134.1); c.2599+1G>A (NM_001370143.1, NM_001370144.1); c.2626+1G>A (NM_001370132.1); c.1321+1G>A (NM_001370135.1).
Identifiers: ClinVar variation 369663 (VCV000369663.4), dbSNP rs1057516033, ClinGen allele CA10654761.
Genomic context (GRCh38, chr10:75,025,250, plus strand): 5'-AAACAGAGGAAGAGGAAGGAAAAGACAATCATTGCTTCAAGAATGCTGACCCTTGTAGAA[G>A]TAAGTAGAGGAATGATAAAAACCTTACCCTTGAGAATGTCTGTATCTGACTGGGTGCCAA-3'

ClinVar aggregate classification (germline): Pathogenic. Review status: criteria provided, multiple submitters, no conflicts (2 of 4 stars). 2 submissions from 2 submitters: Pathogenic (2). Last evaluated 2023-02-23.

Conditions:
Genitopatellar syndrome (GTPTS). Also called: Genitopatellar syndrome (GPS); ABSENT PATELLAE, SCROTAL HYPOPLASIA, RENAL ANOMALIES, FACIAL DYSMORPHISM, AND MENTAL RETARDATION. Identifiers: Orphanet 85201, MedGen C1853566, MONDO:0011640, OMIM 606170.
Blepharophimosis - intellectual disability syndrome, SBBYS type (SBBYSS). Also called: Say-Barber-Biesecker variant of Ohdo syndrome (SBBYSS); Say-Barber-Biesecker-Young-Simpson variant of Ohdo Syndrome; Say-Barber-Biesecker Variant of Ohdo Syndrome; Ohdo syndrome, SBBYS variant; SBBYSS syndrome; Young Simpson syndrome. Identifiers: Orphanet 3047, MedGen C1863557, MONDO:0011365, OMIM 603736.

Submissions (2):

3billion
Classification: Pathogenic for Genitopatellar syndrome. Last evaluated: 2023-02-23. Review status: criteria provided, single submitter. Criteria: ACMG Guidelines, 2015. Collection method: clinical testing. Allele origin: unknown. Affected: yes.
Comment: The variant is not observed in the gnomAD v2.1.1 dataset. Previously reported to alter splicing and result in a loss of normal protein fucnction through nonsense-mediated decay (NMD) or protein truncation (ClinVar ID: RCV000023482). The variant has been reported to be associated with KAT6B -related disorder (ClinVar ID: VCV000369663). Therefore, this variant is classified as Pathogenic according to the recommendation of ACMG/AMP guideline.

Victorian Clinical Genetics Services, Murdoch Childrens Research Institute
Classification: Pathogenic for Blepharophimosis - intellectual disability syndrome, SBBYS type. Last evaluated: 2015-05-05. Review status: criteria provided, single submitter. Criteria: ACMG Guidelines, 2015. Collection method: clinical testing. Allele origin: de novo. Inheritance: Autosomal dominant inheritance. Affected: yes. Observed: 1 variant allele.
Comment: This substitution is located at the first base of intron 17 of the KAT6B gene and is predicted to disrupt the 5' donor splice site, causing retention of intron 17 within the KAT6B transcript and introducing an in-frame stop codon two amino acids past the end of exon 17. This variant is novel and is predicted to be deleterious by in-silico models. It has been confirmed to be de novo.

Literature cited by the submitters: PubMed 22265014 (cited by 3billion); PubMed 26938784 (cited by Victorian Clinical Genetics Services, Murdoch Childrens Research Institute).